The following is an entry in ClinVar:

ClinVar aggregate classification (germline): Likely benign. Review status: criteria provided, multiple submitters, no conflicts (2 of 4 stars). 2 submissions from 2 submitters: Likely benign (2). Last evaluated 2024-04-16.

Conditions:
Familial thoracic aortic aneurysm and aortic dissection (TAAD). Also called: Thoracic aortic aneurysms and dissections. Identifiers: Orphanet 91387, MedGen C4707243, MONDO:0019625.

Submissions (2):

All of Us Research Program, National Institutes of Health
Classification: Likely benign for Familial thoracic aortic aneurysm and aortic dissection. Last evaluated: 2024-04-16. Review status: criteria provided, single submitter. Criteria: ACMG Guidelines, 2015. Collection method: clinical testing. Allele origin: germline. Inheritance: Autosomal dominant inheritance. Observed: 1 variant allele, 1 heterozygote.
Comment: This study involves interpretation of variants in research participants for the purpose of population health screening. Participant phenotype was not available at the time of variant classification. Additional details can be found in publication PMID: 35346344, PMCID: PMC8962531

Color Diagnostics, LLC DBA Color Health
Classification: Likely benign for Familial thoracic aortic aneurysm and aortic dissection. Last evaluated: 2019-02-21. Review status: criteria provided, single submitter. Criteria: ACMG Guidelines, 2015. Collection method: clinical testing. Allele origin: germline.

NM_002474.3(MYH11):c.4021C>T (p.Leu1341=)

Genes: MYH11 (myosin heavy chain 11; minus strand), NDE1 (nudE neurodevelopment protein 1; plus strand). Cytogenetic location: 16p13.11.
Variant type: single nucleotide variant.
Coding change: c.4021C>T on transcript NM_002474.3 (MANE Select); coding-DNA position 4021, C replaced by T.
Protein change: p.Leu1341=; no amino-acid change (leucine 1341 retained).
Molecular consequence: synonymous variant. On other transcripts: 3 prime UTR variant (2).
Genome position (GRCh38, 1-based): chr16:15,724,742, G>A on the plus strand (C>T on the coding strand, the complement: MYH11 is on the minus strand). VCF-style: chr16-15724742-G-A. GRCh37 (hg19) VCF-style: chr16-15818599-G-A.
Other names: c.4042C>T, p.Leu1348= (NM_001040113.2, NM_001040114.2); c.4021C>T, p.Leu1341= (NM_022844.3); c.*491G>A (NM_001143979.2, NM_017668.3).
Identifiers: ClinVar variation 927036 (VCV000927036.3), dbSNP rs1369457903, ClinGen allele CA494088033.